The following is an entry in ClinVar:

NM_001039591.3(USP9X):c.5111T>C (p.Leu1704Ser)

Gene: USP9X (ubiquitin specific peptidase 9 X-linked; plus strand). Cytogenetic location: Xp11.4.
Variant type: single nucleotide variant.
Coding change: c.5111T>C on transcript NM_001039591.3 (MANE Select); coding-DNA position 5111, T replaced by C.
Protein change: p.Leu1704Ser; replaces leucine 1704 with serine.
Molecular consequence: missense variant.
Genome position (GRCh38, 1-based): chrX:41,210,604, T>C. VCF-style: chrX-41210604-T-C. GRCh37 (hg19) VCF-style: chrX-41069857-T-C.
Other names: c.5111T>C, p.Leu1704Ser (NM_001039590.3); short protein forms L1704S.
Identifiers: ClinVar variation 1306851 (VCV001306851.5), dbSNP rs2147230164, ClinGen allele CA412784526.

ClinVar aggregate classification (germline): Uncertain significance. Review status: criteria provided, multiple submitters, no conflicts (2 of 4 stars). 3 submissions from 3 submitters: Uncertain significance (3). Last evaluated 2024-08-11.

Allele frequency attached by ClinVar (database versions not stated): gnomAD exomes 0.00001.
gnomAD v4.1: 13 of 1,211,485 alleles (0.0011%); highest among the groups gnomAD compares: Non-Finnish European, 0.0015%; no homozygotes.

Submissions (3):

Labcorp Genetics (formerly Invitae), Labcorp
Classification: Uncertain significance. Last evaluated: 2024-08-11. Review status: criteria provided, single submitter. Criteria: Invitae Variant Classification Sherloc (09022015). Collection method: clinical testing. Allele origin: germline.
Comment: This sequence change replaces leucine, which is neutral and non-polar, with serine, which is neutral and polar, at codon 1704 of the USP9X protein (p.Leu1704Ser). This variant is not present in population databases (gnomAD no frequency). This variant has not been reported in the literature in individuals affected with USP9X-related conditions. ClinVar contains an entry for this variant (Variation ID: 1306851). An algorithm developed to predict the effect of missense changes on protein structure and function (PolyPhen-2) suggests that this variant is likely to be disruptive. In summary, the available evidence is currently insufficient to determine the role of this variant in disease. Therefore, it has been classified as a Variant of Uncertain Significance.

Blueprint Genetics
Classification: Uncertain significance. Last evaluated: 2020-05-26. Review status: criteria provided, single submitter. Criteria: ACMG Guidelines, 2015. Collection method: clinical testing. Allele origin: germline.

GeneDx
Classification: Uncertain significance. Last evaluated: 2019-07-27. Review status: criteria provided, single submitter. Criteria: GeneDx Variant Classification Process June 2021. Collection method: clinical testing. Allele origin: germline. Affected: yes.
Comment: Not observed in large population cohorts (Lek et al., 2016); In silico analysis, which includes protein predictors and evolutionary conservation, supports a deleterious effect; Has not been previously published as pathogenic or benign to our knowledge